The following is an entry in ClinVar:

ClinVar aggregate classification (germline): Uncertain significance (1 of 4 stars; one submission).

Allele frequency attached by ClinVar (database versions not stated): gnomAD 0.00002; TOPMed 0.00002; ExAC 0.00005; 1000 Genomes Project 30x 0.00016.

Submission:

Labcorp Genetics (formerly Invitae), Labcorp
Classification: Uncertain significance. Last evaluated: 2022-07-11. Review status: criteria provided, single submitter. Criteria: Invitae Variant Classification Sherloc (09022015). Collection method: clinical testing. Allele origin: germline.
Comment: In summary, the available evidence is currently insufficient to determine the role of this variant in disease. Therefore, it has been classified as a Variant of Uncertain Significance. Algorithms developed to predict the effect of missense changes on protein structure and function are either unavailable or do not agree on the potential impact of this missense change (SIFT: "Deleterious"; PolyPhen-2: "Possibly Damaging"; Align-GVGD: "Class C0"). This variant has not been reported in the literature in individuals affected with PAX1-related conditions. The frequency data for this variant in the population databases is considered unreliable, as metrics indicate poor data quality at this position in the gnomAD database. This sequence change replaces serine, which is neutral and polar, with phenylalanine, which is neutral and non-polar, at codon 449 of the PAX1 protein (p.Ser449Phe).

NM_001257096.2(PAX1):c.1356C>T (p.Ile452=)

Gene: PAX1 (paired box 1; plus strand). Cytogenetic location: 20p11.22.
Variant type: single nucleotide variant.
Coding change: c.1356C>T on transcript NM_001257096.2 (MANE Select); coding-DNA position 1356, C replaced by T.
Protein change: p.Ile452=; no amino-acid change (isoleucine 452 retained).
Molecular consequence: synonymous variant. On other transcripts: missense variant (1).
Genome position (GRCh38, 1-based): chr20:21,714,544, C>T. VCF-style: chr20-21714544-C-T. GRCh37 (hg19) VCF-style: chr20-21695182-C-T.
Other names: c.1346C>T, p.Ser449Phe (NM_006192.5); short protein forms S449F.
Identifiers: ClinVar variation 2071842 (VCV002071842.2), dbSNP rs771848039, ClinGen allele CA9786765.